The following is an entry in ClinVar:

NM_001103.4(ACTN2):c.2194_2226del (p.Ala732_Ile742del)

Gene: ACTN2 (actinin alpha 2; plus strand). Cytogenetic location: 1q43.
Variant type: Deletion.
Coding change: c.2194_2226del on transcript NM_001103.4 (MANE Select); coding-DNA positions 2194 to 2226, 33 bases deleted.
Protein change: p.Ala732_Ile742del.
Molecular consequence: inframe deletion.
Genome position (GRCh38, 1-based): chr1:236,757,525-236,757,557, 33 bases deleted; deleting any 33 consecutive bases within chr1:236,757,522-236,757,557 gives the same sequence; the c. name uses the placement nearest the transcript's 3' end. GRCh37 (hg19): chr1:236,920,825-236,920,857.
Other names: c.2194_2226del, p.Ala732_Ile742del (NM_001278343.2); c.1570_1602del, p.Ala524_Ile534del (NM_001278344.2).
Identifiers: ClinVar variation 694346 (VCV000694346.4), dbSNP rs1572148914, ClinGen allele CA915940466.

ClinVar aggregate classification (germline): Likely pathogenic. Review status: criteria provided, single submitter (1 of 4 stars). 2 submissions from 2 submitters: Likely pathogenic (1). 1 of the submissions does not count toward it. Last evaluated 2020-05-28.

Conditions:
Myopathy, congenital, with structured cores and z-line abnormalities. Also called: MULTIPLE STRUCTURED CORE DISEASE; CONGENITAL MYOPATHY 8. Identifiers: MedGen C5231445, MONDO:0032852, OMIM 618654.

Submissions (2):

Broad Center for Mendelian Genomics, Broad Institute of MIT and Harvard
Classification: Likely pathogenic for Myopathy, congenital, with structured cores and z-line abnormalities. Last evaluated: 2020-05-28. Review status: criteria provided, single submitter. Criteria: ACMG Guidelines, 2015. Collection method: research. Allele origin: germline. Inheritance: Autosomal dominant inheritance.
Comment: Trio exome analysis showed this variant to be de novo. This variant was absent from large population studies. This variant is a deletion of 33 bases at position 2194 and is not predicted to alter the protein reading-frame. It is unclear if this deletion will impact the protein. In summary, although additional studies are required to fully establish its clinical significance, this variant is likely pathogenic. ACMG/AMP Criteria applied: PS2, PM2, PM4 (Richards 2015).

OMIM
Classification: Pathogenic for CONGENITAL MYOPATHY 8. Last evaluated: 2024-07-16. Review status: no assertion criteria provided. Collection method: literature only. Allele origin: germline. Not counted in ClinVar's aggregate classification.

Literature cited by the submitters: PubMed 30701273 (cited by Broad Center for Mendelian Genomics, Broad Institute of MIT and Harvard and OMIM).